The following is an entry in ClinVar:

ClinVar aggregate classification (germline): Likely benign. Review status: criteria provided, multiple submitters, no conflicts (2 of 4 stars). 3 submissions from 3 submitters: Likely benign (3). Last evaluated 2025-02-16.

Conditions:
Spastic paraplegia. Identifiers: MedGen C0037772, HP:0001258.

Allele frequency attached by ClinVar (database versions not stated): gnomAD exomes 0.00002; gnomAD 0.00009; ExAC 0.00011; ESP Exome Variant Server 0.00015; TOPMed 0.00015.
gnomAD v4.1: 46 of 1,613,800 alleles (0.0029%); highest among the groups gnomAD compares: African/African-American, 0.02%; no homozygotes.

Submissions (3):

Laboratory of Genetics, Children's Clinical University Hospital Latvia
Classification: Likely benign. Last evaluated: 2025-02-16. Review status: criteria provided, single submitter. Criteria: ACMG Guidelines, 2015. Collection method: clinical testing. Allele origin: germline. Affected: yes.

Labcorp Genetics (formerly Invitae), Labcorp
Classification: Likely benign for Spastic paraplegia. Last evaluated: 2023-06-15. Review status: criteria provided, single submitter. Criteria: Invitae Variant Classification Sherloc (09022015). Collection method: clinical testing. Allele origin: germline.

CeGaT Center for Human Genetics Tuebingen
Classification: Likely benign. Last evaluated: 2022-07-01. Review status: criteria provided, single submitter. Criteria: CeGaT Center For Human Genetics Tuebingen Variant Classification Criteria Version 2. Collection method: clinical testing. Allele origin: germline. Affected: yes. Observed: 1 variant allele.
Comment: GBA2: BP4, BP7

NM_020944.3(GBA2):c.1356C>T (p.Tyr452=)

Gene: GBA2 (glucosylceramidase beta 2; minus strand). Cytogenetic location: 9p13.3.
Variant type: single nucleotide variant.
Coding change: c.1356C>T on transcript NM_020944.3 (MANE Select); coding-DNA position 1356, C replaced by T.
Protein change: p.Tyr452=; no amino-acid change (tyrosine 452 retained).
Molecular consequence: synonymous variant.
Genome position (GRCh38, 1-based): chr9:35,740,051, G>A on the plus strand (C>T on the coding strand, the complement: GBA2 is on the minus strand). VCF-style: chr9-35740051-G-A. GRCh37 (hg19) VCF-style: chr9-35740048-G-A.
Other names: c.1356C>T, p.Tyr452= (NM_001330660.2).
Identifiers: ClinVar variation 2659184 (VCV002659184.28), dbSNP rs376708731, ClinGen allele CA5050437.